The following is an entry in ClinVar:

ClinVar aggregate classification (germline): Pathogenic. Review status: reviewed by expert panel (3 of 4 stars). 28 submissions from 27 submitters: Pathogenic (1). 27 of the submissions do not count toward it. Last evaluated 2016-09-08.

Conditions:
BRCA1-related cancer predisposition. Identifiers: MedGen CN377757, MONDO:0700268.
BRCA1-related disorder. Also called: BRCA1-related condition.
Inherited ovarian cancer (without breast cancer).
Inherited breast cancer and ovarian cancer.
Pancreatic cancer, susceptibility to, 4. Identifiers: Orphanet 1333, MedGen C3280442, MONDO:0013685, OMIM 614320.
Fanconi anemia, complementation group S (FANCS). Identifiers: MedGen C4554406, MONDO:0054748, OMIM 617883.
Breast-ovarian cancer, familial, susceptibility to, 1 (BROVCA1). Also called: BRCA1 Hereditary Breast and Ovarian Cancer; OVARIAN CANCER, SUSCEPTIBILITY TO. Identifiers: Orphanet 145, MedGen C2676676, MONDO:0011450, OMIM 604370. Disease mechanism: loss of function.
Hereditary breast ovarian cancer syndrome. Also called: Breast and ovarian cancer; Hereditary breast and ovarian cancer syndrome; BRCA1- and BRCA2-Associated Hereditary Breast and Ovarian Cancer; Hereditary breast and ovarian cancer syndrome (HBOC); Hereditary breast and/or ovarian cancer syndrome; Hereditary breast and ovarian cancer. Identifiers: Orphanet 145, MedGen C0677776, MeSH D061325, MONDO:0003582. Disease mechanism: loss of function.
Familial cancer of breast. Also called: hereditary breast carcinoma; Hereditary breast cancer; BREAST CANCER, FAMILIAL. Identifiers: Orphanet 227535, MedGen C0346153, MONDO:0016419, OMIM 114480. Disease mechanism: loss of function.
Hereditary cancer-predisposing syndrome. Also called: Hereditary neoplastic syndrome; Neoplastic Syndromes, Hereditary; Hereditary Cancer Syndrome; Tumor predisposition. Identifiers: Orphanet 140162, MedGen C0027672, MeSH D009386, MONDO:0015356.

Submissions 1 to 8 of 28:

Evidence-based Network for the Interpretation of Germline Mutant Alleles (ENIGMA)
Classification: Pathogenic for Breast-ovarian cancer, familial, susceptibility to, 1. Last evaluated: 2016-09-08. Review status: reviewed by expert panel. Criteria: ENIGMA BRCA1/2 Classification Criteria (2015). Collection method: curation. Allele origin: germline.
Comment: Variant allele predicted to encode a truncated non-functional protein.

PreventionGenetics, part of Exact Sciences
Classification: Pathogenic for BRCA1-related condition. Last evaluated: 2026-06-17. Review status: criteria provided, single submitter. Criteria: ACMG Guidelines, 2015. Collection method: clinical testing. Allele origin: germline. Not counted in ClinVar's aggregate classification.
Comment: The BRCA1 c.4041_4042delAG variant is predicted to result in a frameshift and premature protein termination (p.Gly1348Asnfs*7). This variant, also known as c.4160delAG, has been reported to be causative for hereditary breast and ovarian cancer syndrome (HBOC; Eccles et al. 1998. PubMed ID: 9649133; Kang et al. 2002. PubMed ID: 12204006; Walsh et al. 2011. PubMed ID: 22006311; Wu et al. 2020. PubMed ID: 32101877; Mehta et al. 2018. PubMed ID: 30555256). This variant has not been reported in a large population database, indicating it is rare. This variant is interpreted as pathogenic in ClinVar (Variation ID: 55082). Frameshift variants in BRCA1 are expected to be pathogenic. This variant is interpreted as pathogenic.

Genetics Laboratory, Great Ormond Street Hospital NHS Foundation Trust, North Thames Genomic Laboratory Hub
Classification: Pathogenic for Inherited ovarian cancer (without breast cancer). Last evaluated: 2026-03-05. Review status: criteria provided, single submitter. Criteria: CanVIG BRCA Gene Specific V1.22. Collection method: clinical testing. Allele origin: germline. Affected: yes. Not counted in ClinVar's aggregate classification.
Comment: PS4_supporting, PM2_supporting, PVS1_very-strong, PM5_strong

Genetics Laboratory, Great Ormond Street Hospital NHS Foundation Trust, North Thames Genomic Laboratory Hub
Classification: Pathogenic for Inherited breast cancer and ovarian cancer. Last evaluated: 2026-03-05. Review status: criteria provided, single submitter. Criteria: CanVIG BRCA Gene Specific V1.22. Collection method: clinical testing. Allele origin: germline. Affected: yes. Not counted in ClinVar's aggregate classification.
Comment: the same text as in the submission from Genetics Laboratory, Great Ormond Street Hospital NHS Foundation Trust, North Thames Genomic Laboratory Hub above.

Labcorp Genetics (formerly Invitae), Labcorp
Classification: Pathogenic for Hereditary breast ovarian cancer syndrome. Last evaluated: 2026-01-04. Review status: criteria provided, single submitter. Criteria: Invitae Variant Classification Sherloc (09022015). Collection method: clinical testing. Allele origin: germline. Not counted in ClinVar's aggregate classification.
Comment: This sequence change creates a premature translational stop signal (p.Gly1348Asnfs*7) in the BRCA1 gene. It is expected to result in an absent or disrupted protein product. Loss-of-function variants in BRCA1 are known to be pathogenic (PMID: 20104584). This variant is not present in population databases (gnomAD no frequency). This premature translational stop signal has been observed in individual(s) with hereditary breast and/or ovarian cancer (PMID: 9649133, 12204006, 23697973, 25330149, 25418591, 27083178). This variant is also known as c.4160delAG. ClinVar contains an entry for this variant (Variation ID: 55082). For these reasons, this variant has been classified as Pathogenic.

Ambry Genetics
Classification: Pathogenic for Hereditary cancer-predisposing syndrome. Last evaluated: 2025-04-08. Review status: criteria provided, single submitter. Criteria: Ambry Variant Classification Scheme 2023. Collection method: clinical testing. Allele origin: germline. Not counted in ClinVar's aggregate classification.
Comment: The c.4041_4042delAG pathogenic mutation, located in coding exon 9 of the BRCA1 gene, results from a deletion of two nucleotides at nucleotide positions 4041 to 4042, causing a translational frameshift with a predicted alternate stop codon (p.G1348Nfs*7). This mutation has been reported in multiple individuals/families with hereditary breast and ovarian cancer (HBOC) syndrome (Eccles DM et al. Br. J. Cancer. 1998 Jun;77:2199-203; Troudi W et al. J Hum Genet, 2007 Oct;52:915-920; Kim H et al. Breast Cancer Res. Treat. 2012 Aug;134:1315-26; Laitman Y et al. Breast Cancer Res. Treat. 2011 Jun;127:489-95; Fourati A et al. Bull Cancer. 2014 Nov;101:E36-40; Kluska A et al. BMC Med Genomics, 2015 May;8:19; Cybulski C et al. Clin. Genet. 2015 Oct;88:366-70; Riahi A et al. Breast Cancer, 2017 Mar;24:238-244; Eoh KJ et al. Cancer Res Treat. 2017 Apr;49(2):408-415; Park JS et al. Cancer Res Treat, 2017 Oct;49:1012-1021; Sun J et al. Clin Cancer Res, 2017 Oct;23:6113-6119; Mehta A et al. Cancer Manag Res, 2018 Nov;10:6505-6516; Ryu JM et al. Breast Cancer Res Treat, 2019 Jan;173:385-395; Wu H et al. Hum Hered, 2019 Feb;84:160-169). Of note, this alteration is also designated as c.4041delAG, 4158delAG and 4160delAG in published literature. This variant is considered to be rare based on population cohorts in the Genome Aggregation Database (gnomAD). In addition to the clinical data presented in the literature, this alteration is expected to result in loss of function by premature protein truncation or nonsense-mediated mRNA decay. As such, this alteration is interpreted as a disease-causing mutation.

Molecular Pathology, Peter Maccallum Cancer Centre
Classification: Pathogenic for Breast-ovarian cancer, familial, susceptibility to, 1. Last evaluated: 2025-01-23. Review status: criteria provided, single submitter. Criteria: ACMG Guidelines, 2015. Collection method: clinical testing. Allele origin: germline. Inheritance: Autosomal dominant inheritance. Not counted in ClinVar's aggregate classification.

All of Us Research Program, National Institutes of Health
Classification: Pathogenic for BRCA1-related cancer predisposition. Last evaluated: 2024-09-16. Review status: criteria provided, single submitter. Criteria: ACMG Guidelines, 2015. Collection method: clinical testing. Allele origin: germline. Inheritance: Autosomal dominant inheritance. Observed: 2 variant alleles, 2 heterozygotes. Not counted in ClinVar's aggregate classification.
Comment: This variant deletes 2 nucleotides in exon 10 of the BRCA1 gene, creating a frameshift and premature translation stop signal. This variant is also known as 4158delAG, 4159delGA and 4160delAG according to the BIC nomenclature. This variant is expected to result in an absent or non-functional protein product. This variant has been observed in over ten unrelated individuals affected with breast or ovarian cancer (PMID: 9649133, 12204006, 19016756, 22006311, 23697973, 25330149, 25418591, 27083178, 27488874, 29673794, 30555256, 32101877; Color internal data). This variant has not been identified in the general population by the Genome Aggregation Database (gnomAD). Loss of BRCA1 function is a known mechanism of disease. Based on the available evidence, this variant is classified as Pathogenic.

This study involves interpretation of variants in research participants for the purpose of population health screening. Participant phenotype was not available at the time of variant classification. Additional details can be found in publication PMID: 35346344, PMCID: PMC8962531

NM_007294.4(BRCA1):c.4041_4042del (p.Gly1348fs)

Genes: BRCA1 (BRCA1 DNA repair associated; minus strand), LOC126862571 (BRD4-independent group 4 enhancer GRCh37_chr17:41243136-41244335; plus strand). Cytogenetic location: 17q21.31.
Variant type: Microsatellite.
Coding change: c.4041_4042del on transcript NM_007294.4 (MANE Select); coding-DNA positions 4041 to 4042, 2 bases deleted (AG; older notation c.4041_4042delAG).
Protein change: p.Gly1348fs; shifts the reading frame from glycine 1348.
Molecular consequence: frameshift variant. On other transcripts: intron variant (135).
Genome position (GRCh38, 1-based): chr17:43,091,489-43,091,490, CT deleted on the plus strand (AG on the coding strand, the reverse complement: BRCA1 is on the minus strand); deleting any 2 consecutive bases within chr17:43,091,489-43,091,492 gives the same sequence; the c. name uses the placement nearest the transcript's 3' end. VCF-style (leftmost placement, unchanged base first): chr17-43091488-CCT-C. GRCh37 (hg19) VCF-style: chr17-41243505-CCT-C.
Other names: 4160delAG; c.3963_3964del, p.Gly1322fs (NM_001407658.1, NM_001407663.1, NM_001407653.1 and 4 more transcripts); c.3960_3961del, p.Gly1321fs (NM_001407659.1, NM_001407660.1, NM_001407661.1 and 1 more transcripts); c.3918_3919del, p.Gly1307fs (NM_001407664.1, NM_001407665.1, NM_001407666.1 and 19 more transcripts); c.3915_3916del, p.Gly1306fs (NM_001407670.1, NM_001407671.1, NM_001407672.1 and 11 more transcripts); c.4041_4042del, p.Gly1348fs (NM_001407684.1, NM_001407854.1, NM_001407858.1 and 30 more transcripts); c.3900_3901del, p.Gly1301fs (NM_001407692.1, NM_001407694.1, NM_001407695.1 and 29 more transcripts); c.3897_3898del, p.Gly1300fs (NM_001407740.1, NM_001407741.1, NM_001407742.1 and 20 more transcripts); and 43 more; short protein forms G1348fs, G1301fs, G1052fs, G1180fs, G1220fs, G1221fs, G1280fs, G1307fs.
Identifiers: ClinVar variation 55082 (VCV000055082.60), dbSNP rs80357727, ClinGen allele CA002581.
Genomic context (GRCh38, chr17:43,091,488, plus strand): 5'-CCAATACCTAAGTTTGAATCCATGCTTTGCTCTTCTTGATTATTTTCTTCCAAGCCCGTT[CCT>C]CTTTCTTCATCATCTGAAACCAATTCCTTGTCACTCAGACCAACTCCCTGGCTTTCAGAC-3'